The following is an entry in ClinVar:

ClinVar aggregate classification (germline): Uncertain significance. Review status: criteria provided, multiple submitters, no conflicts (2 of 4 stars). 2 submissions from 2 submitters: Uncertain significance (2). Last evaluated 2025-01-20.

Conditions:
Specific granule deficiency. Identifiers: Orphanet 169142, MedGen C0398593, MONDO:0009506.
Inborn genetic diseases. Identifiers: MedGen C0950123, MeSH D030342.

Allele frequency attached by ClinVar (database versions not stated): gnomAD 0.00001; TOPMed 0.00004.

Submissions (2):

Ambry Genetics
Classification: Uncertain significance for Inborn genetic diseases. Last evaluated: 2025-01-20. Review status: criteria provided, single submitter. Criteria: Ambry Variant Classification Scheme 2023. Collection method: clinical testing. Allele origin: germline.

Labcorp Genetics (formerly Invitae), Labcorp
Classification: Uncertain significance for Specific granule deficiency. Last evaluated: 2022-08-09. Review status: criteria provided, single submitter. Criteria: Invitae Variant Classification Sherloc (09022015). Collection method: clinical testing. Allele origin: germline.
Comment: In summary, the available evidence is currently insufficient to determine the role of this variant in disease. Therefore, it has been classified as a Variant of Uncertain Significance. Algorithms developed to predict the effect of missense changes on protein structure and function are either unavailable or do not agree on the potential impact of this missense change (SIFT: "Deleterious"; PolyPhen-2: "Benign"; Align-GVGD: "Class C0"). ClinVar contains an entry for this variant (Variation ID: 1025947). This variant has not been reported in the literature in individuals affected with CEBPE-related conditions. This variant is present in population databases (rs773794064, gnomAD 0.005%). This sequence change replaces proline, which is neutral and non-polar, with threonine, which is neutral and polar, at codon 162 of the CEBPE protein (p.Pro162Thr).

NM_001805.4(CEBPE):c.484C>A (p.Pro162Thr)

Gene: CEBPE (CCAAT enhancer binding protein epsilon; minus strand). Cytogenetic location: 14q11.2.
Variant type: single nucleotide variant.
Coding change: c.484C>A on transcript NM_001805.4 (MANE Select); coding-DNA position 484, C replaced by A.
Protein change: p.Pro162Thr; replaces proline 162 with threonine.
Molecular consequence: missense variant.
Genome position (GRCh38, 1-based): chr14:23,118,608, G>T on the plus strand (C>A on the coding strand, the complement: CEBPE is on the minus strand). VCF-style: chr14-23118608-G-T. GRCh37 (hg19) VCF-style: chr14-23587817-G-T.
Other names: c.484C>A (NM_001805.2); short protein forms P162T.
Identifiers: ClinVar variation 1025947 (VCV001025947.10), dbSNP rs773794064, ClinGen allele CA7111200.